The following is an entry in ClinVar:

ClinVar aggregate classification (germline): Uncertain significance (1 of 4 stars; one submission).

Submission:

Labcorp Genetics (formerly Invitae), Labcorp
Classification: Uncertain significance. Last evaluated: 2024-12-16. Review status: criteria provided, single submitter. Criteria: Invitae Variant Classification Sherloc (09022015). Collection method: clinical testing. Allele origin: germline.
Comment: This sequence change replaces aspartic acid, which is acidic and polar, with glycine, which is neutral and non-polar, at codon 210 of the PPP3CA protein (p.Asp210Gly). This variant is not present in population databases (gnomAD no frequency). This variant has not been reported in the literature in individuals affected with PPP3CA-related conditions. ClinVar contains an entry for this variant (Variation ID: 2700910). Invitae Evidence Modeling of protein sequence and biophysical properties (such as structural, functional, and spatial information, amino acid conservation, physicochemical variation, residue mobility, and thermodynamic stability) has been performed for this missense variant. However, the output from this modeling did not meet the statistical confidence thresholds required to predict the impact of this variant on PPP3CA protein function. In summary, the available evidence is currently insufficient to determine the role of this variant in disease. Therefore, it has been classified as a Variant of Uncertain Significance.

NM_000944.5(PPP3CA):c.629A>G (p.Asp210Gly)

Gene: PPP3CA (protein phosphatase 3 catalytic subunit alpha; minus strand). Cytogenetic location: 4q24.
Variant type: single nucleotide variant.
Coding change: c.629A>G on transcript NM_000944.5 (MANE Select); coding-DNA position 629, A replaced by G.
Protein change: p.Asp210Gly; replaces aspartic acid 210 with glycine.
Molecular consequence: missense variant.
Genome position (GRCh38, 1-based): chr4:101,098,380, T>C on the plus strand (A>G on the coding strand, the complement: PPP3CA is on the minus strand). VCF-style: chr4-101098380-T-C. GRCh37 (hg19) VCF-style: chr4-102019537-T-C.
Other names: c.629A>G, p.Asp210Gly (NM_001130691.2, NM_001130692.2); short protein forms D210G.
Identifiers: ClinVar variation 2700910 (VCV002700910.3), dbSNP rs2475925367, ClinGen allele CA357949799.